The following is an entry in ClinVar:

NM_001079802.2(FKTN):c.527T>C (p.Phe176Ser)

Gene: FKTN (fukutin; plus strand). Cytogenetic location: 9q31.2.
Variant type: single nucleotide variant.
Coding change: c.527T>C on transcript NM_001079802.2 (MANE Select); coding-DNA position 527, T replaced by C.
Protein change: p.Phe176Ser; replaces phenylalanine 176 with serine.
Molecular consequence: missense variant. On other transcripts: non-coding transcript variant (2).
Genome position (GRCh38, 1-based): chr9:105,604,372, T>C. VCF-style: chr9-105604372-T-C. GRCh37 (hg19) VCF-style: chr9-108366653-T-C.
Other names: c.527T>C, p.Phe176Ser (NM_001198963.2, NM_001351496.2, NM_001351498.2 and 1 more transcripts); c.458T>C, p.Phe153Ser (NM_001351497.2); c.131T>C, p.Phe44Ser (NM_001351499.2, NM_001351500.2, NM_001351501.2 and 1 more transcripts); short protein forms F176S, F153S, F44S.
Identifiers: ClinVar variation 3204 (VCV000003204.8), dbSNP rs119463996, ClinGen allele CA116061.

ClinVar aggregate classification (germline): Conflicting classifications of pathogenicity. Review status: criteria provided, conflicting classifications (1 of 4 stars). 4 submissions from 4 submitters: Pathogenic (1); Likely pathogenic (1); Uncertain significance (1). 1 of the submissions does not count toward it. Last evaluated 2023-07-11.

Conditions:
Muscular dystrophy-dystroglycanopathy (congenital without impaired intellectual development), type B, 4. Also called: MUSCULAR DYSTROPHY, CONGENITAL, FKTN-RELATED; Muscular dystrophy-dystroglycanopathy (congenital without intellectual disability), type B4. Identifiers: MedGen C2751052, MONDO:0013156, OMIM 613152.
Autosomal recessive limb-girdle muscular dystrophy type 2M. Also called: MUSCULAR DYSTROPHY-DYSTROGLYCANOPATHY (LIMB-GIRDLE), TYPE C, 4; MUSCULAR DYSTROPHY, LIMB-GIRDLE, TYPE 2M. Identifiers: Orphanet 206554, MedGen C1969040, MONDO:0012699, OMIM 611588.
Muscular dystrophy-dystroglycanopathy (congenital with brain and eye anomalies), type A1 (MDDGA1). Also called: Muscular dystrophy-dystroglycanopathy (congenital with brain and eye anomalies), type A, 1; Hydrocephalus, agyria and retinal dysplasia; Hard +/- E syndrome; Warburg syndrome; Chemke syndrome; Pagon syndrome. Identifiers: Orphanet 588, Orphanet 899, MedGen C4284790, MONDO:0009364, OMIM 236670.

Submissions (4):

Kariminejad - Najmabadi Pathology & Genetics Center
Classification: Likely pathogenic for Muscular dystrophy-dystroglycanopathy (congenital without impaired intellectual development), type B, 4; Autosomal recessive limb-girdle muscular dystrophy type 2M. Last evaluated: 2023-07-11. Review status: criteria provided, single submitter. Criteria: ACMG Guidelines, 2015. Collection method: clinical testing. Allele origin: germline. Inheritance: Autosomal recessive inheritance. Affected: yes.
Comment: PM3 PM2 PP3

Blueprint Genetics
Classification: Uncertain significance. Last evaluated: 2018-10-13. Review status: criteria provided, single submitter. Criteria: ACMG Guidelines, 2015. Collection method: clinical testing. Allele origin: germline.

Genomic Research Center, Shahid Beheshti University of Medical Sciences
Classification: Pathogenic for Muscular dystrophy-dystroglycanopathy (congenital with brain and eye anomalies), type A1. Last evaluated: 2017-12-18. Review status: criteria provided, single submitter. Criteria: ACMG Guidelines, 2015. Collection method: clinical testing. Allele origin: inherited. Affected: yes.

OMIM
Classification: Pathogenic for MUSCULAR DYSTROPHY-DYSTROGLYCANOPATHY (LIMB-GIRDLE), TYPE C, 4. Last evaluated: 2009-05-01. Review status: no assertion criteria provided. Collection method: literature only. Allele origin: germline. Not counted in ClinVar's aggregate classification.

Literature cited by the submitters: PubMed 19342235 (cited by OMIM).